The following is an entry in ClinVar:

ClinVar aggregate classification (germline): Uncertain significance (1 of 4 stars; one submission).

Submission:

Labcorp Genetics (formerly Invitae), Labcorp
Classification: Uncertain significance. Last evaluated: 2020-10-22. Review status: criteria provided, single submitter. Criteria: Invitae Variant Classification Sherloc (09022015). Collection method: clinical testing. Allele origin: germline.
Comment: In summary, the available evidence is currently insufficient to determine the role of this variant in disease. Therefore, it has been classified as a Variant of Uncertain Significance. Algorithms developed to predict the effect of missense changes on protein structure and function (SIFT, PolyPhen-2, Align-GVGD) all suggest that this variant is likely to be tolerated, but these predictions have not been confirmed by published functional studies and their clinical significance is uncertain. This variant has not been reported in the literature in individuals with CNGA1-related conditions. This variant is not present in population databases (ExAC no frequency). This sequence change replaces asparagine with aspartic acid at codon 266 of the CNGA1 protein (p.Asn266Asp). The asparagine residue is moderately conserved and there is a small physicochemical difference between asparagine and aspartic acid.

NM_001379270.1(CNGA1):c.784A>G (p.Asn262Asp)

Genes: CNGA1 (cyclic nucleotide gated channel subunit alpha 1; minus strand), LOC101927157 (uncharacterized LOC101927157; plus strand). Cytogenetic location: 4p12.
Variant type: single nucleotide variant.
Coding change: c.784A>G on transcript NM_001379270.1 (MANE Select); coding-DNA position 784, A replaced by G.
Protein change: p.Asn262Asp; replaces asparagine 262 with aspartic acid.
Molecular consequence: missense variant.
Genome position (GRCh38, 1-based): chr4:47,937,698, T>C on the plus strand (A>G on the coding strand, the complement: CNGA1 is on the minus strand). VCF-style: chr4-47937698-T-C. GRCh37 (hg19) VCF-style: chr4-47939715-T-C.
Other names: c.784A>G, p.Asn262Asp (NM_000087.5, NM_001142564.2); short protein forms N262D.
Identifiers: ClinVar variation 1058030 (VCV001058030.9), dbSNP rs1738764605, ClinGen allele CA356828200.